The following is an entry in ClinVar:

ClinVar aggregate classification (germline): Conflicting classifications of pathogenicity. Review status: criteria provided, conflicting classifications (1 of 4 stars). 4 submissions from 4 submitters: Uncertain significance (3); Likely benign (1). Last evaluated 2024-10-01.

Allele frequency attached by ClinVar (database versions not stated): TOPMed 0.00003; gnomAD 0.00009.
gnomAD v4.1: 54 of 1,552,000 alleles (0.0035%); highest among the groups gnomAD compares: Middle Eastern, 0.017%; no homozygotes.

Submissions (4):

GeneDx
Classification: Uncertain significance. Last evaluated: 2024-10-01. Review status: criteria provided, single submitter. Criteria: GeneDx Variant Classification Process June 2021. Collection method: clinical testing. Allele origin: germline. Affected: yes.
Comment: In silico analysis indicates that this missense variant does not alter protein structure/function; Has not been previously published as pathogenic or benign to our knowledge

CeGaT Center for Human Genetics Tuebingen
Classification: Likely benign. Last evaluated: 2024-08-01. Review status: criteria provided, single submitter. Criteria: CeGaT Center For Human Genetics Tuebingen Variant Classification Criteria Version 2. Collection method: clinical testing. Allele origin: germline. Affected: yes. Observed: 1 variant allele.
Comment: RIPOR2: BP4

Labcorp Genetics (formerly Invitae), Labcorp
Classification: Uncertain significance. Last evaluated: 2024-02-24. Review status: criteria provided, single submitter. Criteria: Invitae Variant Classification Sherloc (09022015). Collection method: clinical testing. Allele origin: germline.
Comment: This sequence change replaces methionine, which is neutral and non-polar, with isoleucine, which is neutral and non-polar, at codon 928 of the FAM65B protein (p.Met928Ile). This variant is present in population databases (no rsID available, gnomAD 0.02%). This variant has not been reported in the literature in individuals affected with FAM65B-related conditions. ClinVar contains an entry for this variant (Variation ID: 2560476). An algorithm developed to predict the effect of missense changes on protein structure and function (PolyPhen-2) suggests that this variant is likely to be tolerated. In summary, the available evidence is currently insufficient to determine the role of this variant in disease. Therefore, it has been classified as a Variant of Uncertain Significance.

Ambry Genetics
Classification: Uncertain significance. Last evaluated: 2023-04-07. Review status: criteria provided, single submitter. Criteria: Ambry Variant Classification Scheme 2023. Collection method: clinical testing. Allele origin: germline.

NM_001286445.3(RIPOR2):c.2721G>A (p.Met907Ile)

Gene: RIPOR2 (RHO family interacting cell polarization regulator 2; minus strand). Cytogenetic location: 6p22.3.
Variant type: single nucleotide variant.
Coding change: c.2721G>A on transcript NM_001286445.3 (MANE Select); coding-DNA position 2721, G replaced by A.
Protein change: p.Met907Ile; replaces methionine 907 with isoleucine.
Molecular consequence: missense variant.
Genome position (GRCh38, 1-based): chr6:24,825,373, C>T on the plus strand (G>A on the coding strand, the complement: RIPOR2 is on the minus strand). VCF-style: chr6-24825373-C-T. GRCh37 (hg19) VCF-style: chr6-24825601-C-T.
Other names: c.2784G>A (NM_014722.3); c.2634G>A, p.Met878Ile (NM_001346031.2, NM_001346032.2); c.2784G>A, p.Met928Ile (NM_014722.5); short protein forms M878I, M928I, M907I.
Identifiers: ClinVar variation 2560476 (VCV002560476.21), dbSNP rs999278063, ClinGen allele CA136167439.